The following is an entry in ClinVar:

NM_173477.5(USH1G):c.*1900G>C

Gene: USH1G (USH1 protein network component sans; minus strand). Cytogenetic location: 17q25.1.
Variant type: single nucleotide variant.
Coding change: c.*1900G>C on transcript NM_173477.5 (MANE Select); 1900 bases downstream of the stop codon, G replaced by C.
Molecular consequence: 3 prime UTR variant.
Genome position (GRCh38, 1-based): chr17:74,916,173, C>G on the plus strand (G>C on the coding strand, the complement: USH1G is on the minus strand). VCF-style: chr17-74916173-C-G. GRCh37 (hg19) VCF-style: chr17-72912265-C-G.
Other names: c.*1900G>C (NM_001282489.3).
Identifiers: ClinVar variation 325030 (VCV000325030.6), dbSNP rs1568448, ClinGen allele CA10650068.

ClinVar aggregate classification (germline): Benign. Review status: criteria provided, multiple submitters, no conflicts (2 of 4 stars). 2 submissions from 2 submitters: Benign (2). Last evaluated 2017-04-27.

Conditions:
Usher syndrome type 1G. Also called: USHER SYNDROME, TYPE IG, MILD. Identifiers: Orphanet 231169, Orphanet 886, MedGen C1847089, MONDO:0011748, OMIM 606943.

Allele frequency attached by ClinVar (database versions not stated): 1000 Genomes Project 30x 0.35290; 1000 Genomes Project 0.35403; TOPMed 0.35749; gnomAD 0.36197 and 0.36561; gnomAD exomes 0.48701.
gnomAD v4.1: 55,837 of 152,144 alleles (37%); highest among the groups gnomAD compares: Admixed American, 51%; 11,730 homozygotes.

Submissions (2):

Illumina Laboratory Services, Illumina
Classification: Benign for Usher syndrome type 1G. Last evaluated: 2017-04-27. Review status: criteria provided, single submitter. Criteria: ICSL Variant Classification Criteria 13 December 2019. Collection method: clinical testing. Allele origin: germline.
Comment: This variant was observed as part of a predisposition screen in an ostensibly healthy population. A literature search was performed for the gene, cDNA change, and amino acid change (where applicable). No publications were found based on this search. Allele frequency data from public databases was too high to be consistent with this variant causing disease. Therefore, this variant is classified as benign.

Breakthrough Genomics
Classification: Benign. Review status: criteria provided, single submitter. Criteria: ACMG Guidelines, 2015. Collection method: not provided. Allele origin: germline. Inheritance: Autosomal recessive inheritance. Affected: yes.